The following is an entry in ClinVar:

ClinVar aggregate classification (germline): Benign. Review status: criteria provided, multiple submitters, no conflicts (2 of 4 stars). 4 submissions from 4 submitters: Benign (4). Last evaluated 2024-01-24.

Conditions:
Polymicrogyria, perisylvian, with cerebellar hypoplasia and arthrogryposis (NEDSPLB). Identifiers: MedGen C4225295, MONDO:0014679, OMIM 616531.

Allele frequency attached by ClinVar (database versions not stated): ExAC 0.19784; gnomAD exomes 0.32228 and 0.34521; 1000 Genomes Project 0.48223; 1000 Genomes Project 30x 0.52155.
gnomAD v4.1: 435,901 of 1,203,002 alleles (36%); highest among the groups gnomAD compares: African/African-American, 54%; 142,562 homozygotes.

Submissions (4):

Unidad de Genómica Garrahan, Hospital de Pediatría Garrahan
Classification: Benign. Last evaluated: 2024-01-24. Review status: criteria provided, single submitter. Criteria: ACMG Guidelines, 2015. Collection method: clinical testing. Allele origin: germline. Affected: no. Observed: 24 variant alleles.
Comment: This variant is classified as Benign based on local population frequency. This variant was detected in 25% of patients studied by a panel of primary immunodeficiencies. Number of patients: 24. Only high quality variants are reported.

Genome-Nilou Lab
Classification: Benign for Polymicrogyria, perisylvian, with cerebellar hypoplasia and arthrogryposis. Last evaluated: 2021-09-05. Review status: criteria provided, single submitter. Criteria: ACMG Guidelines, 2015. Collection method: clinical testing. Allele origin: germline. Affected: no.

GeneDx
Classification: Benign. Last evaluated: 2018-07-09. Review status: criteria provided, single submitter. Criteria: GeneDx Variant Classification Process June 2021. Collection method: clinical testing. Allele origin: germline. Affected: yes.

Breakthrough Genomics
Classification: Benign. Review status: criteria provided, single submitter. Criteria: ACMG Guidelines, 2015. Collection method: not provided. Allele origin: germline. Inheritance: Autosomal recessive inheritance. Affected: yes.

NM_058004.4(PI4KA):c.5677-31A>G

Gene: PI4KA (phosphatidylinositol 4-kinase alpha; minus strand). Cytogenetic location: 22q11.21.
Variant type: single nucleotide variant.
Coding change: c.5677-31A>G on transcript NM_058004.4 (MANE Select); 31 bases into the intron before coding-DNA position 5677, A replaced by G.
Molecular consequence: intron variant.
Genome position (GRCh38, 1-based): chr22:20,712,642, T>C on the plus strand (A>G on the coding strand, the complement: PI4KA is on the minus strand). VCF-style: chr22-20712642-T-C. GRCh37 (hg19) VCF-style: chr22-21066930-T-C.
Other names: c.5611-31A>G (NM_001362863.2); c.5584-31A>G (NM_001362862.2).
Identifiers: ClinVar variation 1283281 (VCV001283281.6), dbSNP rs2629351, ClinGen allele CA10114584.
Genomic context (GRCh38, chr22:20,712,642, plus strand): 5'-GCAGTCGGGGATGCACTCGATCACCCCGCACTAGGAGGAAAGGCCAGTTCTGAGGCCCGC[T>C]GGGTGCGAGGTGCCCAGGGCTGCCCTACTGGCTCCACTCAGGGAACTTACCCCAGGGGCA-3'